The following is an entry in ClinVar:

ClinVar aggregate classification (germline): Uncertain significance (1 of 4 stars; one submission).

Conditions:
Loeys-Dietz syndrome 2 (LDS2). Also called: TGFBR2-Related Loeys-Dietz Syndrome; Marfan syndrome, type 2 (formerly); AORTIC ANEURYSM, FAMILIAL THORACIC 3; MARFAN SYNDROME, TYPE II; Marfan Syndrome type 2; Marfan like connective tissue disorder. Identifiers: Orphanet 284973, Orphanet 558, MedGen C2674574, MONDO:0012427, OMIM 610168.

Submission:

Labcorp Genetics (formerly Invitae), Labcorp
Classification: Uncertain significance for Loeys-Dietz syndrome 2. Last evaluated: 2025-08-24. Review status: criteria provided, single submitter. Criteria: Invitae Variant Classification Sherloc (09022015). Collection method: clinical testing. Allele origin: germline.
Comment: This sequence change replaces alanine, which is neutral and non-polar, with threonine, which is neutral and polar, at codon 624 of the TMPO protein (p.Ala624Thr). This variant is not present in population databases (gnomAD no frequency). This variant has not been reported in the literature in individuals affected with TMPO-related conditions. Invitae Evidence Modeling of protein sequence and biophysical properties (such as structural, functional, and spatial information, amino acid conservation, physicochemical variation, residue mobility, and thermodynamic stability) indicates that this missense variant is not expected to disrupt TMPO protein function with a negative predictive value of 80%. In summary, the available evidence is currently insufficient to determine the role of this variant in disease. Therefore, it has been classified as a Variant of Uncertain Significance.

NM_001032283.3(TMPO):c.565+2289G>A

Gene: TMPO (thymopoietin; plus strand). Cytogenetic location: 12q23.1.
Variant type: single nucleotide variant.
Coding change: c.565+2289G>A on transcript NM_001032283.3 (MANE Select); 2289 bases into the intron after coding-DNA position 565, G replaced by A.
Molecular consequence: intron variant. On other transcripts: missense variant (1).
Genome position (GRCh38, 1-based): chr12:98,534,127, G>A. VCF-style: chr12-98534127-G-A. GRCh37 (hg19) VCF-style: chr12-98927905-G-A.
Other names: c.1870G>A, p.Ala624Thr (NM_003276.2); c.565+2289G>A (NM_001307975.2, NM_001032284.3); short protein forms A624T.
Identifiers: ClinVar variation 4744911 (VCV004744911.1).
Genomic context (GRCh38, chr12:98,534,127, plus strand): 5'-CTTAGCTCAGATCCTAGTCGTACCCACCAAGCGCTTGGGATTCTGAGCAAAACATATGAT[G>A]CAGCCTCATATATTTGTGAAGCTGCATTTGATGAAGTGAAGATGGCTGCCCATACCATGG-3'